The following is an entry in ClinVar:

ClinVar aggregate classification (germline): Likely benign (1 of 4 stars; one submission).

Conditions:
NRP2-related disorder. Also called: NRP2-related condition.

gnomAD v4.1: 36 of 1,613,048 alleles (0.0022%); highest among the groups gnomAD compares: South Asian, 0.012%; no homozygotes.

Submission:

PreventionGenetics, part of Exact Sciences
Classification: Likely benign for NRP2-related condition. Last evaluated: 2025-10-10. Review status: criteria provided, single submitter. Criteria: ACMG Guidelines, 2015. Collection method: clinical testing. Allele origin: germline.
Comment: This variant is classified as likely benign based on ACMG/AMP sequence variant interpretation guidelines (Richards et al. 2015 PMID: 25741868, with internal and published modifications).

NM_003872.3(NRP2):c.2425+9558C>T

Gene: NRP2 (neuropilin 2; plus strand). Cytogenetic location: 2q33.3.
Variant type: single nucleotide variant.
Coding change: c.2425+9558C>T on transcript NM_003872.3 (MANE Select); 9558 bases into the intron after coding-DNA position 2425, C replaced by T.
Molecular consequence: intron variant. On other transcripts: synonymous variant (2).
Genome position (GRCh38, 1-based): chr2:205,776,361, C>T. VCF-style: chr2-205776361-C-T. GRCh37 (hg19) VCF-style: chr2-206641085-C-T.
Other names: c.2556C>T, p.Ser852= (NM_018534.4); c.2541C>T, p.Ser847= (NM_201267.2); c.2440+9543C>T (NM_201266.2); c.2425+9558C>T (NM_201279.2).
Identifiers: ClinVar variation 4989403 (VCV004989403.1).